The following is an entry in ClinVar:

NM_177438.3(DICER1):c.971T>C (p.Met324Thr)

Gene: DICER1 (dicer 1, ribonuclease III; minus strand). Cytogenetic location: 14q32.13.
Variant type: single nucleotide variant.
Coding change: c.971T>C on transcript NM_177438.3 (MANE Select); coding-DNA position 971, T replaced by C.
Protein change: p.Met324Thr; replaces methionine 324 with threonine.
Molecular consequence: missense variant.
Genome position (GRCh38, 1-based): chr14:95,124,601, A>G on the plus strand (T>C on the coding strand, the complement: DICER1 is on the minus strand). VCF-style: chr14-95124601-A-G. GRCh37 (hg19) VCF-style: chr14-95590938-A-G.
Other names: c.971T>C, p.Met324Thr (NM_001195573.1, NM_001271282.3, NM_001291628.2 and 1 more transcripts); short protein forms M324T.
Identifiers: ClinVar variation 665459 (VCV000665459.16), dbSNP rs1595440270, ClinGen allele CA390887263.

ClinVar aggregate classification (germline): Uncertain significance. Review status: criteria provided, multiple submitters, no conflicts (2 of 4 stars). 3 submissions from 3 submitters: Uncertain significance (3). Last evaluated 2025-09-16.

Conditions:
DICER1-related tumor predisposition. Also called: DICER1 syndrome; DICER1-related pleuropulmonary blastoma cancer predisposition syndrome. Identifiers: Orphanet 284343, MedGen C3839822, MONDO:0100216.
Hereditary cancer-predisposing syndrome. Also called: Neoplastic Syndromes, Hereditary; Hereditary neoplastic syndrome; Tumor predisposition; Hereditary Cancer Syndrome. Identifiers: Orphanet 140162, MedGen C0027672, MeSH D009386, MONDO:0015356.

Allele frequency attached by ClinVar (database versions not stated): gnomAD exomes below 0.00001.
gnomAD v4.1: 2 of 1,613,792 alleles (0.00012%); highest among the groups gnomAD compares: Non-Finnish European, 0.00017%; no homozygotes.

Submissions (3):

Labcorp Genetics (formerly Invitae), Labcorp
Classification: Uncertain significance for DICER1-related tumor predisposition. Last evaluated: 2025-09-16. Review status: criteria provided, single submitter. Criteria: Invitae Variant Classification Sherloc (09022015). Collection method: clinical testing. Allele origin: germline.
Comment: This sequence change replaces methionine, which is neutral and non-polar, with threonine, which is neutral and polar, at codon 324 of the DICER1 protein (p.Met324Thr). This variant is not present in population databases (gnomAD no frequency). This variant has not been reported in the literature in individuals affected with DICER1-related conditions. ClinVar contains an entry for this variant (Variation ID: 665459). Invitae Evidence Modeling of protein sequence and biophysical properties (such as structural, functional, and spatial information, amino acid conservation, physicochemical variation, residue mobility, and thermodynamic stability) indicates that this missense variant is not expected to disrupt DICER1 protein function with a negative predictive value of 95%. In summary, the available evidence is currently insufficient to determine the role of this variant in disease. Therefore, it has been classified as a Variant of Uncertain Significance.

Ambry Genetics
Classification: Uncertain significance for Hereditary cancer-predisposing syndrome. Last evaluated: 2024-11-07. Review status: criteria provided, single submitter. Criteria: Ambry Variant Classification Scheme 2023. Collection method: clinical testing. Allele origin: germline.
Comment: The p.M324T variant (also known as c.971T>C), located in coding exon 7 of the DICER1 gene, results from a T to C substitution at nucleotide position 971. The methionine at codon 324 is replaced by threonine, an amino acid with similar properties. This amino acid position is well conserved in available vertebrate species. In addition, the in silico prediction for this alteration is inconclusive. Based on the available evidence, the clinical significance of this variant remains unclear.

GeneDx
Classification: Uncertain significance. Last evaluated: 2023-11-07. Review status: criteria provided, single submitter. Criteria: GeneDx Variant Classification Process June 2021. Collection method: clinical testing. Allele origin: germline. Affected: yes.
Comment: Not observed at significant frequency in large population cohorts (gnomAD); In silico analysis supports that this missense variant does not alter protein structure/function; Has not been previously published as pathogenic or benign to our knowledge